The following is an entry in ClinVar:

NM_015030.2(FRYL):c.568_571del (p.Lys191fs)

Gene: FRYL (FRY like transcription coactivator; minus strand). Cytogenetic location: 4p11.
Variant type: Deletion.
Coding change: c.568_571del on transcript NM_015030.2 (MANE Select); coding-DNA positions 568 to 571, 4 bases deleted (TCAA; older notation c.568_571delTCAA).
Protein change: p.Lys191fs; shifts the reading frame from lysine 191.
Molecular consequence: frameshift variant.
Genome position (GRCh38, 1-based): chr4:48,608,988-48,608,991, TTGA deleted on the plus strand (TCAA on the coding strand, the reverse complement: FRYL is on the minus strand); deleting any 4 consecutive bases within chr4:48,608,988-48,608,994 gives the same sequence; the c. name uses the placement nearest the transcript's 3' end. VCF-style (leftmost placement, unchanged base first): chr4-48608987-TTTGA-T. GRCh37 (hg19) VCF-style: chr4-48611004-TTTGA-T.
Other names: short protein forms K191fs.
Identifiers: ClinVar variation 4669857 (VCV004669857.2).

ClinVar aggregate classification (germline): Uncertain significance (1 of 4 stars; one submission).

Submission:

Ambry Genetics
Classification: Uncertain significance. Last evaluated: 2026-04-01. Review status: criteria provided, single submitter. Criteria: Ambry Variant Classification Scheme 2023. Collection method: clinical testing. Allele origin: germline.
Comment: The c.568_571delTCAA (p.K191Ffs*4) alteration, located in exon 9 (coding exon 6) of the FRYL gene, consists of a deletion of 4 nucleotides from position 568 to 571, causing a translational frameshift with a predicted alternate stop codon after 4 amino acids. This alteration is expected to result in loss of function by premature protein truncation or nonsense-mediated mRNA decay. However, loss of function of FRYL has not been established as a mechanism of disease. This variant was not reported in population-based cohorts in the Genome Aggregation Database (gnomAD). Based on insufficient or conflicting evidence, the clinical significance of this alteration remains unclear.